The following is an entry in ClinVar:

NM_000202.8(IDS):c.1122C>T (p.Gly374=)

Genes: IDS (iduronate 2-sulfatase; minus strand), LOC106050102 (IDS recombination region; plus strand). Cytogenetic location: Xq28.
Variant type: single nucleotide variant.
Coding change: c.1122C>T on transcript NM_000202.8 (MANE Select); coding-DNA position 1122, C replaced by T.
Protein change: p.Gly374=; no amino-acid change (glycine 374 retained).
Molecular consequence: synonymous variant.
Genome position (GRCh38, 1-based): chrX:149,486,983, G>A on the plus strand (C>T on the coding strand, the complement: IDS is on the minus strand). VCF-style: chrX-149486983-G-A. GRCh37 (hg19) VCF-style: chrX-148568514-G-A.
Other names: p.Gly374=; c.852C>T, p.Gly284= (NM_001166550.4); c.1122C>T (NM_000202.4).
Identifiers: ClinVar variation 10491 (VCV000010491.26), dbSNP rs113993948, ClinGen allele CA340989.

ClinVar aggregate classification (germline): Pathogenic/Likely pathogenic. Review status: criteria provided, multiple submitters, no conflicts (2 of 4 stars). 13 submissions from 13 submitters: Pathogenic (7); Likely pathogenic (2). 4 of the submissions do not count toward it. Last evaluated 2025-12-19.

Conditions:
Mucopolysaccharidosis, MPS-II (MPS2). Also called: Mucopolysaccharidosis with skin involvement; Mucopolysaccharidosis type 2; Mucopolysaccharidosis Type II; SIDS deficiency; IDS deficiency; Sulfoiduronate sulfatase deficiency. Identifiers: Orphanet 580, Orphanet 79388, MedGen C0026705, MONDO:0010674, OMIM 309900.

Submissions (15):

Labcorp Genetics (formerly Invitae), Labcorp
Classification: Pathogenic for Mucopolysaccharidosis, MPS-II. Last evaluated: 2025-12-19. Review status: criteria provided, single submitter. Criteria: Invitae Variant Classification Sherloc (09022015). Collection method: clinical testing. Allele origin: germline.
Comment: This sequence change affects codon 374 of the IDS mRNA. It is a 'silent' change, meaning that it does not change the encoded amino acid sequence of the IDS protein. RNA analysis indicates that this variant induces altered splicing and likely results in the loss of 20 amino acid residue(s), but is expected to preserve the integrity of the reading-frame. This variant is not present in population databases (gnomAD no frequency). This variant has been observed in individuals with mucopolysaccharidosis type II (PMID: 8940265, 16133661, 17063374, 21829674, 22976768, 27146977). This variant is also known as c.1246C>T. ClinVar contains an entry for this variant (Variation ID: 10491). Studies have shown that this variant results in the activation of a cryptic splice site in exon 8 (PMID: 8940265, 26407519, 26693516). For these reasons, this variant has been classified as Pathogenic.

Women's Health and Genetics/Laboratory Corporation of America, LabCorp
Classification: Pathogenic for Mucopolysaccharidosis, MPS-II. Last evaluated: 2024-06-24. Review status: criteria provided, single submitter. Criteria: LabCorp Variant Classification Summary - May 2015. Collection method: clinical testing. Allele origin: germline.
Comment: Variant summary: IDS c.1122C>T alters a non-conserved nucleotide resulting in a synonymous change. Several computational tools predict a significant impact on normal splicing: Three predict the variant weakens a 5' donor site. One predict the variant strengthens a 5' donor site. At least one publication reports experimental evidence that this variant affects mRNA splicing (e.g. Rathman_1996, Matos_2015) . The variant was absent in 183469 control chromosomes. c.1122C>T has been reported in the literature in multiple individuals affected with Mucopolysaccharidosis Type II (Hunter Syndrome) (e.g. Rathman_1996, Gort_1998, Uttarilli_2016). These data indicate that the variant is very likely to be associated with disease. The following publications have been ascertained in the context of this evaluation (PMID: 9452044, 26407519, 8940265, 27146977). ClinVar contains an entry for this variant (Variation ID: 10491). Based on the evidence outlined above, the variant was classified as pathogenic.

Laboratory of Diagnosis and Therapy of Lysosomal Disorders, University of Padova
Classification: Pathogenic for Mucopolysaccharidosis, MPS-II. Last evaluated: 2024-06-07. Review status: criteria provided, single submitter. Criteria: ACMG Guidelines, 2015. Collection method: literature only. Allele origin: germline. Affected: yes. Observed: 118 variant alleles.
Comment: In vitro or in vivo functional studies supportive of a damaging effect (PS3_Moderate), Prevalence of the variant significantly increased in affected individuals compared with controls (PS4_Strong), Absent from controls (or at low frequency) in gnomAD database (PM2_Moderate), Patient’s phenotype or family history highly specific for the disease (PP4_Strong)

Classification method: ACMG Guidelines [PMID:25741868] with modifications

Foundation for Research in Genetics and Endocrinology, FRIGE's Institute of Human Genetics
Classification: Likely pathogenic for Mucopolysaccharidosis, MPS-II. Last evaluated: 2023-09-23. Review status: criteria provided, single submitter. Criteria: ACMG Guidelines, 2015. Collection method: clinical testing. Allele origin: germline. Inheritance: X-linked recessive inheritance. Affected: yes. Observed: 1 hemizygote.
Comment: A hemizygous variant in exon 8 of the IDS gene that results in the amino acid substitution of Glycine for Glycine at codon 374 was detected. The observed variant c.1122C>T has not been reported in the 1000 genomes and gnomAD databases. The in-silico prediction of the variant is damaging by Splice AI tool. In summary, the variant meets our criteria to be classified as likely pathogenic.

Illumina Laboratory Services, Illumina
Classification: Pathogenic for Mucopolysaccharidosis, MPS-II. Last evaluated: 2023-09-07. Review status: criteria provided, single submitter. Criteria: ICSLVariantClassificationCriteria RUGD 01 April 2020. Collection method: clinical testing. Allele origin: unknown.
Comment: The IDS c.1122C>T p.(Gly374=) synonymous variant is one of the most commonly reported disease-causing variants in IDS. This variant has been identified in individuals with mucopolysaccharidosis type II (MPSII) and was reported in a de novo state in at least one of these individuals (PMID: 8940265; 20301451; 27146977; 30639582; 31877959; 33676511; 34006472). This variant is not observed in version 2.1.1 or version 3.1.2 of the Genome Aggregation Database. Functional studies show that the c.1122C>T variant results in activation of a cryptic splice site within exon 8 of the IDS gene leading to a deletion of 20 amino acids (PMID: 8940265; 26407519; 26693516). Based on the available evidence, the c.1122C>T p.(Gly374=) variant is classified as pathogenic for mucopolysaccharidosis type II.

GeneDx
Classification: Pathogenic. Last evaluated: 2022-09-07. Review status: criteria provided, single submitter. Criteria: GeneDx Variant Classification Process June 2021. Collection method: clinical testing. Allele origin: germline. Affected: yes.
Comment: Published functional studies demonstrate that this variant creates a new splice donor site resulting in skipping of the last 60 nucleotides of exon 8 (Matos et al. 2015); Not observed at significant frequency in large population cohorts (gnomAD); In silico analysis supports a deleterious effect on splicing; This variant is associated with the following publications: (PMID: 8940265, 8281149, 21829674, 16133661, 26407519, 1639384, 17063374, 9921913, 16495038, 30639582, 21291454, 27146977, 11462244, 33676511, 35144014, 34006472, 31877959, 26693516)

Genome-Nilou Lab
Classification: Pathogenic for Mucopolysaccharidosis, MPS-II. Last evaluated: 2021-09-05. Review status: criteria provided, single submitter. Criteria: ACMG Guidelines, 2015. Collection method: clinical testing. Allele origin: germline. Affected: no.

IIFP, CONICET-UNLP
Classification: Pathogenic for Mucopolysaccharidosis, MPS-II. Last evaluated: 2007-11-13. Review status: criteria provided, single submitter. Criteria: ACMG Guidelines, 2007. Collection method: research. Allele origin: maternal. Inheritance: X-linked inheritance. Affected: yes. Observed: 4 variant alleles.

Department of Medical Genetics, Sanjay Gandhi Post Graduate Institute of Medical Sciences
Classification: Likely pathogenic for Mucopolysaccharidosis, MPS-II. Review status: criteria provided, single submitter. Criteria: ACMG Guidelines, 2015. Collection method: clinical testing. Allele origin: germline. Inheritance: X-linked recessive inheritance. Affected: yes. Observed: 3 variant alleles, 3 hemizygotes. Clinical features observed: Motor delay (HP:0001270), Low maternal circulating estriol concentration (HP:0008073), Coarse facial features (HP:0000280), Depressed nasal bridge (HP:0005280), Short stature (HP:0004322), Macrocephaly (HP:0000256), Sleep apnea (HP:0010535), Flexion contracture (HP:0001371), Hearing impairment (HP:0000365), Abnormal heart valve morphology (HP:0001654), Dysostosis multiplex (HP:0000943), Inguinal hernia (HP:0000023), and 1 more.

Beijing Key Laboratory for Genetic Research of Skeletal Deformity, Peking Union Medical College Hospital
Classification: Pathogenic for Mucopolysaccharidosis, MPS-II. Last evaluated: 2019-05-31. Review status: no assertion criteria provided. Collection method: research. Allele origin: de novo. Affected: yes. Not counted in ClinVar's aggregate classification.

Division of Medical Genetics, Department of Pediatrics, All India Institute of Medical Sciences, New Delhi
Classification: Affects for Mucopolysaccharidosis, MPS-II. Last evaluated: 2014-04-13. Review status: no assertion criteria provided. Collection method: research. Allele origin: germline. Inheritance: X-linked recessive inheritance. Affected: yes. Observed: 1 variant allele, 1 hemizygote. Not counted in ClinVar's aggregate classification.
Comment: The change c.1122C>T is a known cryptic splice generator variant. This mutation is due to the substitution of C to T at nucleotide position c.11122 in the exon 8 of IDS gene. Uttarilli et al., 2016 described its presence in six MPS II patients of which four with severe phenotype and two with an attenuated phenotype.

OMIM
Classification: Pathogenic for MUCOPOLYSACCHARIDOSIS, TYPE II. Last evaluated: 1992-07-01. Review status: no assertion criteria provided. Collection method: literature only. Allele origin: germline. Not counted in ClinVar's aggregate classification.

Dr. Peter K. Rogan Lab, Western University
No classification provided (evidence only). Condition: Familial cancer of breast. Review status: no classification provided. Collection method: in vitro. Allele origin: not applicable. Functional consequence: cryptic splice site. Not counted in ClinVar's aggregate classification.

Dr. Peter K. Rogan Lab, Western University
No classification provided (evidence only). Condition: Nonpapillary renal cell carcinoma. Review status: no classification provided. Collection method: in vitro. Allele origin: not applicable. Functional consequence: retained intron. Not counted in ClinVar's aggregate classification.

GeneReviews
No classification provided. Condition: Mucopolysaccharidosis, MPS-II. Review status: no classification provided. Collection method: literature only. Allele origin: germline. Not counted in ClinVar's aggregate classification.

Literature cited by the submitters: PubMed 8940265 (cited by 3 submitters).